The following is an entry in ClinVar:

ClinVar aggregate classification (germline): Uncertain significance (1 of 4 stars; one submission).

Conditions:
GTP cyclohydrolase I deficiency. Identifiers: MedGen C0268467, MONDO:0100184.
Dystonia 5 (DRD). Also called: DYSTONIA, PROGRESSIVE, WITH DIURNAL VARIATION; DYSTONIA-PARKINSONISM WITH DIURNAL FLUCTUATION; GTP Cyclohydrolase 1-Deficient Dopa-Responsive Dystonia; DYT-GCH1; Dystonia, DOPA-responsive, with or without hyperphenylalaninemia. Identifiers: Orphanet 98808, MedGen C1851920, MONDO:0007495, OMIM 128230.

Submission:

Labcorp Genetics (formerly Invitae), Labcorp
Classification: Uncertain significance for GTP cyclohydrolase I deficiency; Dystonia 5. Last evaluated: 2023-10-03. Review status: criteria provided, single submitter. Criteria: Invitae Variant Classification Sherloc (09022015). Collection method: clinical testing. Allele origin: germline.
Comment: This sequence change replaces leucine, which is neutral and non-polar, with phenylalanine, which is neutral and non-polar, at codon 197 of the GCH1 protein (p.Leu197Phe). This variant is not present in population databases (gnomAD no frequency). This variant has not been reported in the literature in individuals affected with GCH1-related conditions. Advanced modeling of protein sequence and biophysical properties (such as structural, functional, and spatial information, amino acid conservation, physicochemical variation, residue mobility, and thermodynamic stability) performed at Invitae indicates that this missense variant is not expected to disrupt GCH1 protein function. In summary, the available evidence is currently insufficient to determine the role of this variant in disease. Therefore, it has been classified as a Variant of Uncertain Significance.

NM_000161.3(GCH1):c.591G>C (p.Leu197Phe)

Gene: GCH1 (GTP cyclohydrolase 1; minus strand). Cytogenetic location: 14q22.2.
Variant type: single nucleotide variant.
Coding change: c.591G>C on transcript NM_000161.3 (MANE Select); coding-DNA position 591, G replaced by C.
Protein change: p.Leu197Phe; replaces leucine 197 with phenylalanine.
Molecular consequence: missense variant. On other transcripts: intron variant (1).
Genome position (GRCh38, 1-based): chr14:54,845,803, C>G on the plus strand (G>C on the coding strand, the complement: GCH1 is on the minus strand). VCF-style: chr14-54845803-C-G. GRCh37 (hg19) VCF-style: chr14-55312521-C-G.
Other names: c.297G>C, p.Leu99Phe (NM_001424105.1); c.510-2749G>C (NM_001424104.1); c.591G>C, p.Leu197Phe (NM_001024024.2, NM_001024070.2, NM_001024071.2); short protein forms L197F, L99F.
Identifiers: ClinVar variation 2945953 (VCV002945953.3), dbSNP rs2504343201, ClinGen allele CA389787324.